The following is an entry in ClinVar:

NM_001379110.1(SLC9A6):c.1413G>A (p.Trp471Ter)

Gene: SLC9A6 (solute carrier family 9 member A6; plus strand). Cytogenetic location: Xq26.3.
Variant type: single nucleotide variant.
Coding change: c.1413G>A on transcript NM_001379110.1 (MANE Select); coding-DNA position 1413, G replaced by A.
Protein change: p.Trp471Ter; replaces tryptophan 471 with a stop codon.
Molecular consequence: nonsense.
Genome position (GRCh38, 1-based): chrX:136,024,436, G>A. VCF-style: chrX-136024436-G-A. GRCh37 (hg19) VCF-style: chrX-135106595-G-A.
Other names: NC_000023.10:g.135106595G>A; c.1569G>A, p.Trp523Ter (NM_001042537.2, NM_001438742.1); c.1413G>A, p.Trp471Ter (NM_001177651.2, NM_001400909.1, NM_001400910.1 and 2 more transcripts); c.1317G>A, p.Trp439Ter (NM_001330652.2, NM_001400913.1); c.1473G>A, p.Trp491Ter (NM_006359.3); short protein forms W439*, W523*, W491*, W471*.
Identifiers: ClinVar variation 4472948 (VCV004472948.2).

ClinVar aggregate classification (germline): Likely pathogenic (1 of 4 stars; one submission).

Conditions:
Christianson syndrome (MRXSCH). Also called: X-linked mental retardation, syndromic, Christianson type; SLC9A6-Related Syndromic Mental Retardation; INTELLECTUAL DEVELOPMENTAL DISORDER, X-LINKED, SYNDROMIC, CHRISTIANSON TYPE. Identifiers: Orphanet 85278, MedGen C2678194, MONDO:0010278, OMIM 300243.

Submissions (2):

3billion
Classification: Likely pathogenic for Christianson syndrome. Last evaluated: 2025-10-19. Review status: criteria provided, single submitter. Criteria: ACMG Guidelines, 2015. Collection method: clinical testing. Allele origin: germline. Affected: yes.
Comment: The variant is not observed in the gnomAD v4.1.0 dataset. Predicted Consequence/Location: Stop-gained (nonsense): predicted to result in a loss or disruption of normal protein function through nonsense-mediated decay (NMD) or protein truncation. Multiple pathogenic variants are reported downstream of the variant. Therefore, this variant is classified as Likely pathogenic according to the recommendation of ACMG/AMP guideline.

Dr. Peter K. Rogan Lab, Western University
No classification provided (evidence only). Condition: Thyroid cancer, nonmedullary, 1. Review status: no classification provided. Collection method: in vitro. Allele origin: not applicable. Functional consequence: retained intron. Not counted in ClinVar's aggregate classification.